The following is an entry in ClinVar:

NM_020461.4(TUBGCP6):c.3983C>A (p.Ser1328Tyr)

Gene: TUBGCP6 (tubulin gamma complex component 6; minus strand). Cytogenetic location: 22q13.33.
Variant type: single nucleotide variant.
Coding change: c.3983C>A on transcript NM_020461.4 (MANE Select); coding-DNA position 3983, C replaced by A.
Protein change: p.Ser1328Tyr; replaces serine 1328 with tyrosine.
Molecular consequence: missense variant.
Genome position (GRCh38, 1-based): chr22:50,220,376, G>T on the plus strand (C>A on the coding strand, the complement: TUBGCP6 is on the minus strand). VCF-style: chr22-50220376-G-T. GRCh37 (hg19) VCF-style: chr22-50658805-G-T.
Other names: short protein forms S1328Y.
Identifiers: ClinVar variation 2109381 (VCV002109381.4), dbSNP rs768296393, ClinGen allele CA10307770.

ClinVar aggregate classification (germline): Uncertain significance (1 of 4 stars; one submission).

Allele frequency attached by ClinVar (database versions not stated): ExAC 0.00001.
gnomAD v4.1: 1 of 1,568,966 alleles (0.000064%); no homozygotes.

Submission:

Labcorp Genetics (formerly Invitae), Labcorp
Classification: Uncertain significance. Last evaluated: 2022-03-11. Review status: criteria provided, single submitter. Criteria: Invitae Variant Classification Sherloc (09022015). Collection method: clinical testing. Allele origin: germline.
Comment: Algorithms developed to predict the effect of missense changes on protein structure and function are either unavailable or do not agree on the potential impact of this missense change (SIFT: "Deleterious"; PolyPhen-2: "Possibly Damaging"; Align-GVGD: "Class C0"). In summary, the available evidence is currently insufficient to determine the role of this variant in disease. Therefore, it has been classified as a Variant of Uncertain Significance. This variant has not been reported in the literature in individuals affected with TUBGCP6-related conditions. This variant is present in population databases (rs768296393, gnomAD 0.001%). This sequence change replaces serine, which is neutral and polar, with tyrosine, which is neutral and polar, at codon 1328 of the TUBGCP6 protein (p.Ser1328Tyr).